The following is an entry in ClinVar:

ClinVar aggregate classification (germline): Uncertain significance (1 of 4 stars; one submission).

Conditions:
Cardiovascular phenotype. Identifiers: MedGen CN230736.

Submission:

Ambry Genetics
Classification: Uncertain significance for Cardiovascular phenotype. Last evaluated: 2023-01-01. Review status: criteria provided, single submitter. Criteria: Ambry Variant Classification Scheme 2023. Collection method: clinical testing. Allele origin: germline.
Comment: The p.E1206V variant (also known as c.3617A>T), located in coding exon 26 of the JAG1 gene, results from an A to T substitution at nucleotide position 3617. The glutamic acid at codon 1206 is replaced by valine, an amino acid with dissimilar properties. This amino acid position is conserved. In addition, this alteration is predicted to be deleterious by in silico analysis. Since supporting evidence is limited at this time, the clinical significance of this alteration remains unclear.

NM_000214.3(JAG1):c.3617A>T (p.Glu1206Val)

Gene: JAG1 (jagged canonical Notch ligand 1; minus strand). Cytogenetic location: 20p12.2.
Variant type: single nucleotide variant.
Coding change: c.3617A>T on transcript NM_000214.3 (MANE Select); coding-DNA position 3617, A replaced by T.
Protein change: p.Glu1206Val; replaces glutamic acid 1206 with valine.
Molecular consequence: missense variant.
Genome position (GRCh38, 1-based): chr20:10,639,538, T>A on the plus strand (A>T on the coding strand, the complement: JAG1 is on the minus strand). VCF-style: chr20-10639538-T-A. GRCh37 (hg19) VCF-style: chr20-10620186-T-A.
Other names: short protein forms E1206V.
Identifiers: ClinVar variation 2452645 (VCV002452645.2), dbSNP rs562595056, ClinGen allele CA408242295.
Genomic context (GRCh38, chr20:10,639,538, plus strand): 5'-GCGGCAGTGCCCGCGGTCTGCTATACGATGTACTCCATTCGGTTTAAGCTCTGGGCACTT[T>A]CCAAGTCTCTGTTGTCCTGTTTGTTTGTCCAGTTTGGGTGTTTTGTCGGCGTGCCGTTGG-3'
Protein context (NP_000205.1, residues 1196-1216): WTNKQDNRDL[Glu1206Val]SAQSLNRMEY